The following is an entry in ClinVar:

ClinVar aggregate classification (germline): Likely pathogenic (1 of 4 stars; one submission).

Conditions:
Lynch syndrome 5 (LYNCH5). Also called: Colorectal cancer, hereditary nonpolyposis, type 5; Hereditary non-polyposis colorectal cancer, type 5. Identifiers: Orphanet 144, MedGen C1833477, MONDO:0013710, OMIM 614350. Disease mechanism: loss of function.

Submission:

Myriad Genetics, Inc.
Classification: Likely pathogenic for Lynch syndrome 5. Last evaluated: 2023-05-12. Review status: criteria provided, single submitter. Criteria: Myriad Autosomal Dominant, Autosomal Recessive and X-Linked Classification Criteria (2023). Collection method: clinical testing. Allele origin: unknown.
Comment: This variant is considered likely pathogenic. This variant occurs within a consensus splice junction and is predicted to result in abnormal mRNA splicing of either an out-of-frame exon or an in-frame exon necessary for protein stability and/or normal function.

NM_000179.3(MSH6):c.3438+1G>T

Gene: MSH6 (mutS homolog 6; plus strand). Cytogenetic location: 2p16.3.
Variant type: single nucleotide variant.
Coding change: c.3438+1G>T on transcript NM_000179.3 (MANE Select); the canonical splice donor site of the intron after coding-DNA position 3438, G replaced by T.
Molecular consequence: splice donor variant.
Genome position (GRCh38, 1-based): chr2:47,803,686, G>T. VCF-style: chr2-47803686-G-T. GRCh37 (hg19) VCF-style: chr2-48030825-G-T.
Other names: c.3438+1G>T (NM_001406809.1, NM_001406796.1, NM_001406808.1 and 1 more transcripts); c.2532+1G>T (NM_001406811.1, NM_001406814.1, NM_001281493.2 and 6 more transcripts); c.3141+1G>T (NM_001406805.1, NM_001406797.1, NM_001406801.1 and 10 more transcripts); c.3534+1G>T (NM_001406795.1, NM_001406802.1); c.3444+1G>T (NM_001406813.1); c.2913+1G>T (NM_001406807.1, NM_001406799.1, NM_001406806.1); c.3264+1G>T (NM_001406798.1); c.2574+1G>T (NM_001406803.1); and 7 more.
Identifiers: ClinVar variation 2584304 (VCV002584304.2), dbSNP rs267608096, ClinGen allele CA346758975.